The following is an entry in ClinVar:

NM_001354483.2(CSGALNACT1):c.832C>G (p.Gln278Glu)

Gene: CSGALNACT1 (chondroitin sulfate N-acetylgalactosaminyltransferase 1; minus strand). Cytogenetic location: 8p21.3.
Variant type: single nucleotide variant.
Coding change: c.832C>G on transcript NM_001354483.2 (MANE Select); coding-DNA position 832, C replaced by G.
Protein change: p.Gln278Glu; replaces glutamine 278 with glutamic acid.
Molecular consequence: missense variant. On other transcripts: non-coding transcript variant (7).
Genome position (GRCh38, 1-based): chr8:19,458,445, G>C on the plus strand (C>G on the coding strand, the complement: CSGALNACT1 is on the minus strand). VCF-style: chr8-19458445-G-C. GRCh37 (hg19) VCF-style: chr8-19315956-G-C.
Other names: c.832C>G, p.Gln278Glu (NM_001130518.2, NM_001354475.2, NM_001354476.2 and 18 more transcripts); c.832C>G (NM_001130518.1); short protein forms Q278E.
Identifiers: ClinVar variation 1365399 (VCV001365399.7), dbSNP rs376329108, ClinGen allele CA4654099.

ClinVar aggregate classification (germline): Uncertain significance. Review status: criteria provided, multiple submitters, no conflicts (2 of 4 stars). 2 submissions from 2 submitters: Uncertain significance (2). Last evaluated 2025-12-09.

Conditions:
Inborn genetic diseases. Identifiers: MedGen C0950123, MeSH D030342.

Allele frequency attached by ClinVar (database versions not stated): ExAC 0.00002; gnomAD exomes 0.00002; gnomAD 0.00005 and 0.00006; TOPMed 0.00005; ESP Exome Variant Server 0.00008.
gnomAD v4.1: 64 of 1,614,018 alleles (0.004%); highest among the groups gnomAD compares: Non-Finnish European, 0.0047%; no homozygotes.

Submissions (2):

Labcorp Genetics (formerly Invitae), Labcorp
Classification: Uncertain significance. Last evaluated: 2025-12-09. Review status: criteria provided, single submitter. Criteria: Invitae Variant Classification Sherloc (09022015). Collection method: clinical testing. Allele origin: germline.
Comment: This sequence change replaces glutamine, which is neutral and polar, with glutamic acid, which is acidic and polar, at codon 278 of the CSGALNACT1 protein (p.Gln278Glu). This variant is present in population databases (rs376329108, gnomAD 0.008%). This variant has not been reported in the literature in individuals affected with CSGALNACT1-related conditions. ClinVar contains an entry for this variant (Variation ID: 1365399). Invitae Evidence Modeling of protein sequence and biophysical properties (such as structural, functional, and spatial information, amino acid conservation, physicochemical variation, residue mobility, and thermodynamic stability) indicates that this missense variant is not expected to disrupt CSGALNACT1 protein function with a negative predictive value of 80%. In summary, the available evidence is currently insufficient to determine the role of this variant in disease. Therefore, it has been classified as a Variant of Uncertain Significance.

Ambry Genetics
Classification: Uncertain significance for Inborn genetic diseases. Last evaluated: 2024-12-25. Review status: criteria provided, single submitter. Criteria: Ambry Variant Classification Scheme 2023. Collection method: clinical testing. Allele origin: germline.